The following is an entry in ClinVar:

NM_022367.4(SEMA4A):c.2240G>A (p.Ser747Asn)

Gene: SEMA4A (semaphorin 4A; plus strand). Cytogenetic location: 1q22.
Variant type: single nucleotide variant.
Coding change: c.2240G>A on transcript NM_022367.4 (MANE Select); coding-DNA position 2240, G replaced by A.
Protein change: p.Ser747Asn; replaces serine 747 with asparagine.
Molecular consequence: missense variant.
Genome position (GRCh38, 1-based): chr1:156,176,951, G>A. VCF-style: chr1-156176951-G-A. GRCh37 (hg19) VCF-style: chr1-156146742-G-A.
Other names: c.2240G>A, p.Ser747Asn (NM_001193300.2, NM_001193301.2, NM_001370567.1); c.1844G>A, p.Ser615Asn (NM_001193302.2); c.1943G>A, p.Ser648Asn (NM_001370568.1); c.1733G>A, p.Ser578Asn (NM_001370569.1, NM_001370571.1); c.2240G>A (NM_022367.3); short protein forms S578N, S615N, S648N, S747N.
Identifiers: ClinVar variation 1022355 (VCV001022355.10), dbSNP rs767138686, ClinGen allele CA1155555.

ClinVar aggregate classification (germline): Uncertain significance. Review status: criteria provided, multiple submitters, no conflicts (2 of 4 stars). 3 submissions from 3 submitters: Uncertain significance (3). Last evaluated 2025-10-08.

Allele frequency attached by ClinVar (database versions not stated): TOPMed below 0.00001; gnomAD 0.00002; gnomAD exomes 0.00002 and 0.00005; ExAC 0.00005.
gnomAD v4.1: 14 of 1,613,554 alleles (0.00087%); highest among the groups gnomAD compares: East Asian, 0.029%; no homozygotes.

Submissions (3):

Labcorp Genetics (formerly Invitae), Labcorp
Classification: Uncertain significance. Last evaluated: 2025-10-08. Review status: criteria provided, single submitter. Criteria: Invitae Variant Classification Sherloc (09022015). Collection method: clinical testing. Allele origin: germline.
Comment: This sequence change replaces serine, which is neutral and polar, with asparagine, which is neutral and polar, at codon 747 of the SEMA4A protein (p.Ser747Asn). This variant is present in population databases (rs767138686, gnomAD 0.07%), and has an allele count higher than expected for a pathogenic variant. This variant has not been reported in the literature in individuals affected with SEMA4A-related conditions. ClinVar contains an entry for this variant (Variation ID: 1022355). An algorithm developed to predict the effect of missense changes on protein structure and function (PolyPhen-2) suggests that this variant is likely to be tolerated. In summary, the available evidence is currently insufficient to determine the role of this variant in disease. Therefore, it has been classified as a Variant of Uncertain Significance.

Ambry Genetics
Classification: Uncertain significance. Last evaluated: 2024-02-12. Review status: criteria provided, single submitter. Criteria: Ambry Variant Classification Scheme 2023. Collection method: clinical testing. Allele origin: germline.

Blueprint Genetics
Classification: Uncertain significance. Last evaluated: 2022-08-10. Review status: criteria provided, single submitter. Criteria: ACMG Guidelines, 2015. Collection method: clinical testing. Allele origin: germline.